The following is an entry in ClinVar:

NM_007317.3(KIF22):c.991-20_997del

Gene: KIF22 (kinesin family member 22; plus strand). Cytogenetic location: 16p11.2.
Variant type: Deletion.
Coding change: c.991-20_997del on transcript NM_007317.3 (MANE Select); 20 bases into the intron before coding-DNA position 991 through coding-DNA position 997, 27 bases deleted (CTGCCTGGTCTCACCCTCAGGACTCTC).
Molecular consequence: splice acceptor variant.
Genome position (GRCh38, 1-based): chr16:29,799,608-29,799,634, CTGCCTGGTCTCACCCTCAGGACTCTC deleted. VCF-style (leftmost placement, unchanged base first): chr16-29799607-ACTGCCTGGTCTCACCCTCAGGACTCTC-A. GRCh37 (hg19) VCF-style: chr16-29810928-ACTGCCTGGTCTCACCCTCAGGACTCTC-A.
Other names: c.787-20_793del (NM_001256269.2, NM_001256270.1).
Identifiers: ClinVar variation 2646363 (VCV002646363.24), dbSNP rs2543274612, ClinGen allele CA2695197632.

ClinVar aggregate classification (germline): Uncertain significance (1 of 4 stars; one submission).

Submission:

CeGaT Center for Human Genetics Tuebingen
Classification: Uncertain significance. Last evaluated: 2023-09-01. Review status: criteria provided, single submitter. Criteria: CeGaT Center For Human Genetics Tuebingen Variant Classification Criteria Version 2. Collection method: clinical testing. Allele origin: germline. Affected: yes. Observed: 1 variant allele.
Comment: KIF22: PM2